The following is an entry in ClinVar:

ClinVar aggregate classification (germline): Likely benign (1 of 4 stars; one submission).

Submission:

CeGaT Center for Human Genetics Tuebingen
Classification: Likely benign. Last evaluated: 2026-07-01. Review status: criteria provided, single submitter. Criteria: CeGaT Center For Human Genetics Tuebingen Variant Classification Criteria Version 2. Collection method: clinical testing. Allele origin: germline. Affected: yes. Observed: 2 variant alleles.
Comment: RNU4-2: BS2

NC_000012.12:g.120291910G>T

Genes: RNU4-2 (RNA, U4 small nuclear 2; minus strand), SIRT4 (sirtuin 4; plus strand). Cytogenetic location: 12q24.23.
Variant type: single nucleotide variant.
Genome position: GRCh38 VCF-style: chr12-120291910-G-T. GRCh37 (hg19) VCF-style: chr12-120729713-G-T.
Identifiers: ClinVar variation 3905704 (VCV003905704.10).
Genomic context (GRCh38, chr12:120,291,910, plus strand): 5'-TAATCGCGCCTCGGATAAACCTCATTGGCTACGATACTGCCACTGCGCAAAGCTGGAAAG[G>T]TTCTGTTCGCGCCCCGCTCCCCCACGGATGATGACTACCATTACATTGAGGGTGAGTGCC-3'